The following is an entry in ClinVar:

ClinVar aggregate classification (germline): Uncertain significance. Review status: criteria provided, multiple submitters, no conflicts (2 of 4 stars). 2 submissions from 2 submitters: Uncertain significance (2). Last evaluated 2024-02-15.

Conditions:
Sucrase-isomaltase deficiency (CSID). Also called: Congenital sucrose isomaltose malabsorption; Sucrose isomaltose enzyme deficiency; SI DEFICIENCY; Deficiency of isomaltase. Identifiers: Orphanet 35122, MedGen C1283620, MONDO:0009114, OMIM 222900.

Allele frequency attached by ClinVar (database versions not stated): ESP Exome Variant Server 0.00023; gnomAD 0.00035 and 0.00041.
gnomAD v4.1: 83 of 1,411,726 alleles (0.0059%); highest among the groups gnomAD compares: African/African-American, 0.1%; no homozygotes.

Submissions (2):

Fulgent Genetics
Classification: Uncertain significance for Sucrase-isomaltase deficiency. Last evaluated: 2024-02-15. Review status: criteria provided, single submitter. Criteria: ACMG Guidelines, 2015. Collection method: clinical testing. Allele origin: germline.

Labcorp Genetics (formerly Invitae), Labcorp
Classification: Uncertain significance. Last evaluated: 2022-08-19. Review status: criteria provided, single submitter. Criteria: Invitae Variant Classification Sherloc (09022015). Collection method: clinical testing. Allele origin: germline.
Comment: This sequence change replaces valine, which is neutral and non-polar, with phenylalanine, which is neutral and non-polar, at codon 913 of the SI protein (p.Val913Phe). The frequency data for this variant in the population databases is considered unreliable, as metrics indicate poor data quality at this position in the gnomAD database. This variant has not been reported in the literature in individuals affected with SI-related conditions. ClinVar contains an entry for this variant (Variation ID: 1517659). Algorithms developed to predict the effect of missense changes on protein structure and function are either unavailable or do not agree on the potential impact of this missense change (SIFT: "Deleterious"; PolyPhen-2: "Benign"; Align-GVGD: "Class C0"). Algorithms developed to predict the effect of sequence changes on RNA splicing suggest that this variant may create or strengthen a splice site. In summary, the available evidence is currently insufficient to determine the role of this variant in disease. Therefore, it has been classified as a Variant of Uncertain Significance.

NM_001041.4(SI):c.2737G>T (p.Val913Phe)

Gene: SI (sucrase-isomaltase; minus strand). Cytogenetic location: 3q26.1.
Variant type: single nucleotide variant.
Coding change: c.2737G>T on transcript NM_001041.4 (MANE Select); coding-DNA position 2737, G replaced by T.
Protein change: p.Val913Phe; replaces valine 913 with phenylalanine.
Molecular consequence: missense variant.
Genome position (GRCh38, 1-based): chr3:165,030,867, C>A on the plus strand (G>T on the coding strand, the complement: SI is on the minus strand). VCF-style: chr3-165030867-C-A. GRCh37 (hg19) VCF-style: chr3-164748655-C-A.
Other names: short protein forms V913F.
Identifiers: ClinVar variation 1517659 (VCV001517659.5), dbSNP rs200328496, ClinGen allele CA2690507.
Genomic context (GRCh38, chr3:165,030,867, plus strand): 5'-GATTCCATTGAACACTAAAGTTTCTTCCAAGATTAAGTTTGAGATCTGCAATTAGGAGAA[C>A]CTTTGAAGACAAAAAAAAAAAAAGAAAAAAAGAAAAAAAAAACACAAACAAACAAAAACA-3'
Protein context (NP_001032.2, residues 903-923): SNFTYDASNQ[Val913Phe]LLIADLKLNL